The following is an entry in ClinVar:

NM_152383.5(DIS3L2):c.496G>C (p.Val166Leu)

Gene: DIS3L2 (DIS3 like 3'-5' exoribonuclease 2; plus strand). Cytogenetic location: 2q37.1.
Variant type: single nucleotide variant.
Coding change: c.496G>C on transcript NM_152383.5 (MANE Select); coding-DNA position 496, G replaced by C.
Protein change: p.Val166Leu; replaces valine 166 with leucine.
Molecular consequence: missense variant. On other transcripts: non-coding transcript variant (2).
Genome position (GRCh38, 1-based): chr2:232,087,616, G>C. VCF-style: chr2-232087616-G-C. GRCh37 (hg19) VCF-style: chr2-232952326-G-C.
Other names: c.496G>C, p.Val166Leu (NM_001257281.2, NM_001257282.2); short protein forms V166L.
Identifiers: ClinVar variation 1060421 (VCV001060421.9), dbSNP rs1430562058, ClinGen allele CA351155106.

ClinVar aggregate classification (germline): Uncertain significance (1 of 4 stars; one submission).

Conditions:
Perlman syndrome (PRLMNS). Identifiers: Orphanet 2849, MedGen C0796113, MONDO:0009965, OMIM 267000.

Allele frequency attached by ClinVar (database versions not stated): gnomAD 0.00001.
gnomAD v4.1: 1 of 1,614,010 alleles (0.000062%); highest among the groups gnomAD compares: African/African-American, 0.0013%; no homozygotes.

Submission:

Labcorp Genetics (formerly Invitae), Labcorp
Classification: Uncertain significance for Perlman syndrome. Last evaluated: 2023-06-27. Review status: criteria provided, single submitter. Criteria: Invitae Variant Classification Sherloc (09022015). Collection method: clinical testing. Allele origin: germline.
Comment: In summary, the available evidence is currently insufficient to determine the role of this variant in disease. Therefore, it has been classified as a Variant of Uncertain Significance. Algorithms developed to predict the effect of missense changes on protein structure and function output the following: SIFT: "Not Available"; PolyPhen-2: "Benign"; Align-GVGD: "Not Available". The leucine amino acid residue is found in multiple mammalian species, which suggests that this missense change does not adversely affect protein function. ClinVar contains an entry for this variant (Variation ID: 1060421). This variant has not been reported in the literature in individuals affected with DIS3L2-related conditions. This variant is not present in population databases (gnomAD no frequency). This sequence change replaces valine, which is neutral and non-polar, with leucine, which is neutral and non-polar, at codon 166 of the DIS3L2 protein (p.Val166Leu).